The following is an entry in ClinVar:

NM_012398.3(PIP5K1C):c.554T>G (p.Phe185Cys)

Gene: PIP5K1C (phosphatidylinositol-4-phosphate 5-kinase type 1 gamma; minus strand). Cytogenetic location: 19p13.3.
Variant type: single nucleotide variant.
Coding change: c.554T>G on transcript NM_012398.3 (MANE Select); coding-DNA position 554, T replaced by G.
Protein change: p.Phe185Cys; replaces phenylalanine 185 with cysteine.
Molecular consequence: missense variant.
Genome position (GRCh38, 1-based): chr19:3,656,472, A>C on the plus strand (T>G on the coding strand, the complement: PIP5K1C is on the minus strand). VCF-style: chr19-3656472-A-C. GRCh37 (hg19) VCF-style: chr19-3656470-A-C.
Other names: c.554T>G, p.Phe185Cys (NM_001195733.2, NM_001300849.2); short protein forms F185C.
Identifiers: ClinVar variation 1312290 (VCV001312290.2), dbSNP rs2145463175, ClinGen allele CA403389293.

ClinVar aggregate classification (germline): Uncertain significance (1 of 4 stars; one submission).

Submission:

GeneDx
Classification: Uncertain significance. Last evaluated: 2019-09-13. Review status: criteria provided, single submitter. Criteria: GeneDx Variant Classification Process June 2021. Collection method: clinical testing. Allele origin: germline. Affected: yes.
Comment: Not observed in large population cohorts (Lek et al., 2016); In silico analysis, which includes protein predictors and evolutionary conservation, supports a deleterious effect; Has not been previously published as pathogenic or benign to our knowledge